The following is an entry in ClinVar:

ClinVar aggregate classification (germline): Pathogenic/Likely pathogenic. Review status: criteria provided, multiple submitters, no conflicts (2 of 4 stars). 7 submissions from 7 submitters: Pathogenic (5); Likely pathogenic (1). 1 of the submissions does not count toward it. Last evaluated 2026-07-25.

Conditions:
Congenital heart disease (CHD). Identifiers: MedGen C0152021, MONDO:0005453. Disease mechanism: unknown.
Failure to thrive. Also called: Pediatric failure to thrive. Identifiers: MedGen C2315100, HP:0001508.
Abnormal skeletal morphology. Also called: Abnormality of skeletal morphology. Identifiers: MedGen C4023165, HP:0011842.
Congenital heart defects and skeletal malformations syndrome. Identifiers: Orphanet 643503, MedGen C4539857, MONDO:0060532, OMIM 617602.
ABL1-related disorder. Also called: ABL1-related condition.

Submissions (7):

Pediatrics/Division of Genetics and Metabolism, University of Kentucky
Classification: Pathogenic for Congenital heart defects and skeletal malformations syndrome. Last evaluated: 2026-07-25. Review status: criteria provided, single submitter. Criteria: ACMG Guidelines, 2015. Collection method: clinical testing, in vitro. Allele origin: unknown, not applicable. Affected: yes. Observed: 1 variant allele. Functional consequence: increased enzyme activity.
Comment: The (p.Tyr245Cys) is a missense variant. This variant is a previously reported variant with functional studies documenting alter function. In summary, this variant meets the criteria to be classified as pathogenic based on the ACMG/AMP criteria applied.

3billion
Classification: Pathogenic for Congenital heart defects and skeletal malformations syndrome. Last evaluated: 2023-10-05. Review status: criteria provided, single submitter. Criteria: ACMG Guidelines, 2015. Collection method: clinical testing. Allele origin: germline. Affected: yes.
Comment: The variant is not observed in the gnomAD v2.1.1 dataset. Predicted Consequence/Location: Missense variant Functional studies provide strong evidence of the variant having a damaging effect on the gene or gene product (PMID: 28288113, 28288113). In silico tool predictions suggest damaging effect of the variant on gene or gene product [REVEL: 0.67 (>=0.6, sensitivity 0.68 and specificity 0.92)]. Same nucleotide change resulting in same amino acid change has been previously reported as pathogenic/likely pathogenic with strong evidence (ClinVar ID: VCV000374795 /PMID: 28288113 /3billion dataset). The variant has been previously reported as de novo in a similarly affected individual (PMID: 28288113). Therefore, this variant is classified as Pathogenic according to the recommendation of ACMG/AMP guideline.

MGZ Medical Genetics Center
Classification: Likely pathogenic for Congenital heart defects and skeletal malformations syndrome. Last evaluated: 2022-08-22. Review status: criteria provided, single submitter. Criteria: ACMG Guidelines, 2015. Collection method: clinical testing. Allele origin: germline. Affected: yes. Observed: 1 variant allele.
Comment: ACMG criteria applied: PS2, PM2_SUP, PP1, PP3

Blueprint Genetics
Classification: Pathogenic for ABL1-related disorders. Last evaluated: 2022-01-14. Review status: criteria provided, single submitter. Criteria: ACMG Guidelines, 2015. Collection method: clinical testing. Allele origin: germline. Affected: yes. Observed: 2 variant alleles.

GeneDx
Classification: Pathogenic. Last evaluated: 2021-10-22. Review status: criteria provided, single submitter. Criteria: GeneDx Variant Classification Process June 2021. Collection method: clinical testing. Allele origin: germline. Affected: yes.
Comment: Published functional studies demonstrate that this variant leads to a gain of function with increased ABL kinase activity (Wang et al., 2017); Not observed in large population cohorts (Lek et al., 2016); This variant is associated with the following publications: (PMID: 28288113)

Baylor Genetics
Classification: Pathogenic for Congenital heart disease; Abnormal skeletal morphology; failure to gain weight. Last evaluated: 2016-12-11. Review status: criteria provided, single submitter. Criteria: ACMG Guidelines, 2015. Collection method: clinical testing. Allele origin: germline. Inheritance: Autosomal dominant inheritance. Affected: yes. Observed: 4 variant alleles, 4 heterozygotes.
Comment: This variant has been found four times in our laboratory in individuals with heart defects, skeletal anomalies, and failure to thrive. In two families, it co-segregated with disease, and it arose de novo in a third.

OMIM
Classification: Pathogenic for CONGENITAL HEART DEFECTS AND SKELETAL MALFORMATIONS SYNDROME. Last evaluated: 2017-08-02. Review status: no assertion criteria provided. Collection method: literature only. Allele origin: germline. Not counted in ClinVar's aggregate classification.

Literature cited by the submitters: PubMed 28288113 (cited by 3 submitters).

NM_005157.6(ABL1):c.677A>G (p.Tyr226Cys)

Gene: ABL1 (ABL proto-oncogene 1, non-receptor tyrosine kinase; plus strand). Cytogenetic location: 9q34.12.
Variant type: single nucleotide variant.
Coding change: c.677A>G on transcript NM_005157.6 (MANE Select); coding-DNA position 677, A replaced by G.
Protein change: p.Tyr226Cys; replaces tyrosine 226 with cysteine.
Molecular consequence: missense variant.
Genome position (GRCh38, 1-based): chr9:130,862,890, A>G. VCF-style: chr9-130862890-A-G. GRCh37 (hg19) VCF-style: chr9-133738277-A-G.
Other names: c.734A>G, p.Tyr245Cys (NM_007313.3); short protein forms Y226C, Y245C.
Identifiers: ClinVar variation 374795 (VCV000374795.7), dbSNP rs1060499547, ClinGen allele CA16609342.